The following is an entry in ClinVar:

NM_000051.4(ATM):c.8665G>A (p.Asp2889Asn)

Genes: ATM (ATM serine/threonine kinase; plus strand), C11orf65 (chromosome 11 open reading frame 65; minus strand). Cytogenetic location: 11q22.3.
Variant type: single nucleotide variant.
Coding change: c.8665G>A on transcript NM_000051.4 (MANE Select); coding-DNA position 8665, G replaced by A.
Protein change: p.Asp2889Asn; replaces aspartic acid 2889 with asparagine.
Molecular consequence: missense variant. On other transcripts: intron variant (2).
Genome position (GRCh38, 1-based): chr11:108,347,359, G>A. VCF-style: chr11-108347359-G-A. GRCh37 (hg19) VCF-style: chr11-108218086-G-A.
Other names: c.8665G>A, p.Asp2889Asn (NM_001351834.2); c.641-38288C>T (NM_001330368.2); c.695-12067C>T (NM_001351110.2); short protein forms D2889N.
Identifiers: ClinVar variation 628006 (VCV000628006.15), dbSNP rs587781814, ClinGen allele CA382521275.

ClinVar aggregate classification (germline): Uncertain significance. Review status: criteria provided, multiple submitters, no conflicts (2 of 4 stars). 3 submissions from 3 submitters: Uncertain significance (3). Last evaluated 2024-09-26.

Conditions:
Hereditary cancer-predisposing syndrome. Also called: Tumor predisposition; Hereditary neoplastic syndrome; Neoplastic Syndromes, Hereditary; Hereditary Cancer Syndrome. Identifiers: Orphanet 140162, MedGen C0027672, MeSH D009386, MONDO:0015356.
Ataxia-telangiectasia syndrome (AT). Also called: Ataxia-telangiectasia, complementation group D; AT, COMPLEMENTATION GROUP C; ATAXIA-TELANGIECTASIA, COMPLEMENTATION GROUP A; ATAXIA-TELANGIECTASIA, FRESNO VARIANT; Ataxia-telangiectasia; LOUIS-BAR SYNDROME. Identifiers: Orphanet 100, MedGen C0004135, MONDO:0008840, OMIM 208900.

Submissions (3):

Ambry Genetics
Classification: Uncertain significance for Hereditary cancer-predisposing syndrome. Last evaluated: 2024-09-26. Review status: criteria provided, single submitter. Criteria: Ambry Variant Classification Scheme 2023. Collection method: clinical testing. Allele origin: germline.
Comment: The p.D2889N variant (also known as c.8665G>A), located in coding exon 58 of the ATM gene, results from a G to A substitution at nucleotide position 8665. The aspartic acid at codon 2889 is replaced by asparagine, an amino acid with highly similar properties. This amino acid position is highly conserved in available vertebrate species. In addition, this alteration is predicted to be deleterious by in silico analysis. Based on the available evidence, the clinical significance of this variant remains unclear.

Labcorp Genetics (formerly Invitae), Labcorp
Classification: Uncertain significance for Ataxia-telangiectasia syndrome. Last evaluated: 2023-07-17. Review status: criteria provided, single submitter. Criteria: Invitae Variant Classification Sherloc (09022015). Collection method: clinical testing. Allele origin: germline.
Comment: ClinVar contains an entry for this variant (Variation ID: 628006). In summary, the available evidence is currently insufficient to determine the role of this variant in disease. Therefore, it has been classified as a Variant of Uncertain Significance. An algorithm developed to predict the effect of missense changes on protein structure and function (PolyPhen-2) suggests that this variant is likely to be disruptive. This variant has not been reported in the literature in individuals affected with ATM-related conditions. This variant is not present in population databases (gnomAD no frequency). This sequence change replaces aspartic acid, which is acidic and polar, with asparagine, which is neutral and polar, at codon 2889 of the ATM protein (p.Asp2889Asn).

Color Diagnostics, LLC DBA Color Health
Classification: Uncertain significance for Hereditary cancer-predisposing syndrome. Last evaluated: 2018-09-18. Review status: criteria provided, single submitter. Criteria: ACMG Guidelines, 2015. Collection method: clinical testing. Allele origin: germline.